The following is an entry in ClinVar:

ClinVar aggregate classification (germline): Pathogenic (1 of 4 stars; one submission).

Conditions:
Hereditary cancer-predisposing syndrome. Also called: Neoplastic Syndromes, Hereditary; Tumor predisposition; Hereditary Cancer Syndrome; Hereditary neoplastic syndrome. Identifiers: Orphanet 140162, MedGen C0027672, MeSH D009386, MONDO:0015356.

Submission:

Ambry Genetics
Classification: Pathogenic for Hereditary cancer-predisposing syndrome. Last evaluated: 2021-06-11. Review status: criteria provided, single submitter. Criteria: Ambry Variant Classification Scheme 2023. Collection method: clinical testing. Allele origin: germline.
Comment: The c.3263delT pathogenic mutation, located in coding exon 21 of the ATM gene, results from a deletion of one nucleotide at nucleotide position 3263, causing a translational frameshift with a predicted alternate stop codon (p.L1088Wfs*21). This alteration is expected to result in loss of function by premature protein truncation or nonsense-mediated mRNA decay. As such, this alteration is interpreted as a disease-causing mutation.

NM_000051.4(ATM):c.3263del (p.Leu1088fs)

Gene: ATM (ATM serine/threonine kinase; plus strand). Cytogenetic location: 11q22.3.
Variant type: Deletion.
Coding change: c.3263del on transcript NM_000051.4 (MANE Select); coding-DNA position 3263, one base deleted (T; older notation c.3263delT).
Protein change: p.Leu1088fs; shifts the reading frame from leucine 1088.
Molecular consequence: frameshift variant.
Genome position (GRCh38, 1-based): chr11:108,272,831, T deleted; the last of 2 consecutive T bases (chr11:108,272,830-108,272,831); deleting either gives the same sequence. VCF-style (leftmost placement, unchanged base first): chr11-108272829-GT-G. GRCh37 (hg19) VCF-style: chr11-108143556-GT-G.
Other names: c.3263del, p.Leu1088fs (NM_001351834.2); short protein forms L1088fs.
Identifiers: ClinVar variation 1729561 (VCV001729561.2), dbSNP rs2546834331, ClinGen allele CA2580083350.
Genomic context (GRCh38, chr11:108,272,829, plus strand): 5'-CTTTCCTGTAAATGAAGTATTTACACAATTTCTTGCTGACAATCATCACCAAGTTCGCAT[GT>G]TGGCTGCAGAGTCAATCAATAGGTAATGGGTCAAATATTCATGAAGTATTTGGAATGCTG-3'